The following is an entry in ClinVar:

NM_000760.4(CSF3R):c.2197C>A (p.Pro733Thr)

Gene: CSF3R (colony stimulating factor 3 receptor; minus strand). Cytogenetic location: 1p34.3.
Variant type: single nucleotide variant.
Coding change: c.2197C>A on transcript NM_000760.4 (MANE Select); coding-DNA position 2197, C replaced by A.
Protein change: p.Pro733Thr; replaces proline 733 with threonine.
Molecular consequence: missense variant.
Genome position (GRCh38, 1-based): chr1:36,466,671, G>T on the plus strand (C>A on the coding strand, the complement: CSF3R is on the minus strand). VCF-style: chr1-36466671-G-T. GRCh37 (hg19) VCF-style: chr1-36932272-G-T.
Other names: p.Pro733Thr; c.2278C>A, p.Pro760Thr (LRG_144t1, NM_156039.3); c.2197C>A, p.Pro733Thr (NM_172313.3); short protein forms P733T, P760T.
Identifiers: ClinVar variation 542862 (VCV000542862.17), dbSNP rs78861150, ClinGen allele CA768929.

ClinVar aggregate classification (germline): Benign. Review status: criteria provided, multiple submitters, no conflicts (2 of 4 stars). 4 submissions from 4 submitters: Benign (3). 1 of the submissions does not count toward it. Last evaluated 2025-12-30.

Conditions:
CSF3R-related disorder. Also called: CSF3R-related condition.
Autosomal recessive severe congenital neutropenia due to CSF3R deficiency. Also called: Neutropenia, severe congenital, 7, autosomal recessive. Identifiers: Orphanet 420702, MedGen C4310764, MONDO:0014865, OMIM 617014.

Allele frequency attached by ClinVar (database versions not stated): 1000 Genomes Project 0.00260; gnomAD 0.00042 and 0.00058; gnomAD exomes 0.00042 and 0.00117; TOPMed 0.00081; ExAC 0.00111; 1000 Genomes Project 30x 0.00219.
gnomAD v4.1: 695 of 1,614,168 alleles (0.043%); highest among the groups gnomAD compares: East Asian, 1.5%; 7 homozygotes.

Submissions (4):

Labcorp Genetics (formerly Invitae), Labcorp
Classification: Benign for Autosomal recessive severe congenital neutropenia due to CSF3R deficiency. Last evaluated: 2025-12-30. Review status: criteria provided, single submitter. Criteria: Invitae Variant Classification Sherloc (09022015). Collection method: clinical testing. Allele origin: germline.

Mayo Clinic Laboratories, Mayo Clinic
Classification: Benign. Last evaluated: 2023-09-25. Review status: criteria provided, single submitter. Criteria: ACMG Guidelines, 2015. Collection method: clinical testing. Allele origin: germline. Observed: 3 variant alleles.
Comment: BS1, BS2

Genetic Services Laboratory, University of Chicago
Classification: Benign. Last evaluated: 2018-07-12. Review status: criteria provided, single submitter. Criteria: ACMG Guidelines, 2015. Collection method: clinical testing. Allele origin: germline. Affected: no.

PreventionGenetics, part of Exact Sciences
Classification: Benign for CSF3R-related condition. Last evaluated: 2019-11-19. Review status: no assertion criteria provided. Collection method: clinical testing. Allele origin: germline. Not counted in ClinVar's aggregate classification.
Comment: This variant is classified as benign based on ACMG/AMP sequence variant interpretation guidelines (Richards et al. 2015 PMID: 25741868, with internal and published modifications).

Literature cited by the submitters: PubMed 28209919 (cited by Mayo Clinic Laboratories, Mayo Clinic).